The following is an entry in ClinVar:

NM_000179.3(MSH6):c.3101G>C (p.Arg1034Pro)

Gene: MSH6 (mutS homolog 6; plus strand). Cytogenetic location: 2p16.3.
Variant type: single nucleotide variant.
Coding change: c.3101G>C on transcript NM_000179.3 (MANE Select); coding-DNA position 3101, G replaced by C.
Protein change: p.Arg1034Pro; replaces arginine 1034 with proline.
Molecular consequence: missense variant.
Genome position (GRCh38, 1-based): chr2:47,801,084, G>C. VCF-style: chr2-47801084-G-C. GRCh37 (hg19) VCF-style: chr2-48028223-G-C.
Other names: c.2711G>C, p.Arg904Pro (NM_001281492.2); c.2195G>C, p.Arg732Pro (NM_001281493.2, NM_001281494.2); short protein forms R1034P, R732P, R904P.
Identifiers: ClinVar variation 480929 (VCV000480929.17), dbSNP rs181727939, ClinGen allele CA070052.

ClinVar aggregate classification (germline): Uncertain significance. Review status: criteria provided, multiple submitters, no conflicts (2 of 4 stars). 5 submissions from 5 submitters: Uncertain significance (5). Last evaluated 2025-08-24.

Conditions:
Lynch syndrome. Identifiers: Orphanet 144, MedGen C4552100, MONDO:0005835. Disease mechanism: loss of function.
Hereditary nonpolyposis colorectal neoplasms. Identifiers: MedGen C0009405, MeSH D003123.
Hereditary cancer-predisposing syndrome. Also called: Hereditary Cancer Syndrome; Neoplastic Syndromes, Hereditary; Tumor predisposition; Hereditary neoplastic syndrome. Identifiers: Orphanet 140162, MedGen C0027672, MeSH D009386, MONDO:0015356.

Submissions (5):

Labcorp Genetics (formerly Invitae), Labcorp
Classification: Uncertain significance for Hereditary nonpolyposis colorectal neoplasms. Last evaluated: 2025-08-24. Review status: criteria provided, single submitter. Criteria: Invitae Variant Classification Sherloc (09022015). Collection method: clinical testing. Allele origin: germline.
Comment: This sequence change replaces arginine, which is basic and polar, with proline, which is neutral and non-polar, at codon 1034 of the MSH6 protein (p.Arg1034Pro). This variant is present in population databases (rs181727939, gnomAD 0.003%). This missense change has been observed in individual(s) with colorectal cancer (PMID: 17117178). ClinVar contains an entry for this variant (Variation ID: 480929). Invitae Evidence Modeling incorporating data from in vitro experimental studies (internal data) indicates that this missense variant is expected to disrupt MSH6 function with a positive predictive value of 95%. In summary, the available evidence is currently insufficient to determine the role of this variant in disease. Therefore, it has been classified as a Variant of Uncertain Significance.

Color Diagnostics, LLC DBA Color Health
Classification: Uncertain significance for Hereditary cancer-predisposing syndrome. Last evaluated: 2025-07-31. Review status: criteria provided, single submitter. Criteria: ACMG Guidelines, 2015. Collection method: clinical testing. Allele origin: germline.
Comment: This missense variant replaces arginine with proline at codon 1034 of the MSH6 protein. Computational prediction suggests that this variant may have deleterious impact on protein structure and function. To our knowledge, functional studies have not been reported for this variant. This variant has been reported in an individual affected with colorectal cancer in the literature (PMID: 17117178). This variant has been identified in 1/247886 chromosomes in the general population by the Genome Aggregation Database (gnomAD). The available evidence is insufficient to determine the role of this variant in disease conclusively. Therefore, this variant is classified as a Variant of Uncertain Significance.

Ambry Genetics
Classification: Uncertain significance for Hereditary cancer-predisposing syndrome. Last evaluated: 2024-10-20. Review status: criteria provided, single submitter. Criteria: Ambry Variant Classification Scheme 2023. Collection method: clinical testing. Allele origin: germline.
Comment: The p.R1034P variant (also known as c.3101G>C), located in coding exon 4 of the MSH6 gene, results from a G to C substitution at nucleotide position 3101. The arginine at codon 1034 is replaced by proline, an amino acid with dissimilar properties. This amino acid position is highly conserved in available vertebrate species. In addition, this alteration is predicted to be deleterious by in silico analysis. Since supporting evidence is limited at this time, the clinical significance of this alteration remains unclear.

All of Us Research Program, National Institutes of Health
Classification: Uncertain significance for Lynch syndrome. Last evaluated: 2024-06-11. Review status: criteria provided, single submitter. Criteria: ACMG Guidelines, 2015. Collection method: clinical testing. Allele origin: germline. Inheritance: Autosomal dominant inheritance. Observed: 2 variant alleles, 2 heterozygotes.
Comment: This study involves interpretation of variants in research participants for the purpose of population health screening. Participant phenotype was not available at the time of variant classification. Additional details can be found in publication PMID: 35346344, PMCID: PMC8962531

Quest Diagnostics Nichols Institute San Juan Capistrano
Classification: Uncertain significance. Last evaluated: 2018-05-08. Review status: criteria provided, single submitter. Criteria: Quest Diagnostics criteria. Collection method: clinical testing. Allele origin: germline.

Literature cited by the submitters: PubMed 17117178 (cited by 3 submitters).